The following is an entry in ClinVar:

NM_001270508.2(TNFAIP3):c.242A>G (p.Lys81Arg)

Gene: TNFAIP3 (TNF alpha induced protein 3; plus strand). Cytogenetic location: 6q23.3.
Variant type: single nucleotide variant.
Coding change: c.242A>G on transcript NM_001270508.2 (MANE Select); coding-DNA position 242, A replaced by G.
Protein change: p.Lys81Arg; replaces lysine 81 with arginine.
Molecular consequence: missense variant.
Genome position (GRCh38, 1-based): chr6:137,871,469, A>G. VCF-style: chr6-137871469-A-G. GRCh37 (hg19) VCF-style: chr6-138192606-A-G.
Other names: c.242A>G, p.Lys81Arg (NM_001270507.2, NM_006290.4); short protein forms K81R.
Identifiers: ClinVar variation 4702392 (VCV004702392.1).
Genomic context (GRCh38, chr6:137,871,469, plus strand): 5'-GGGAGATCATCCACAAAGCCCTCATCGACAGAAACATCCAGGCCACCCTGGAAAGCCAGA[A>G]GAAACTCAACTGGTGTCGAGAAGTCCGGAAGCTTGTGGCGCTGAAAACGAACGGTAAGAC-3'
Protein context (NP_001257437.1, residues 71-91): RNIQATLESQ[Lys81Arg]KLNWCREVRK

ClinVar aggregate classification (germline): Uncertain significance (1 of 4 stars; one submission).

Submission:

Labcorp Genetics (formerly Invitae), Labcorp
Classification: Uncertain significance. Last evaluated: 2025-10-26. Review status: criteria provided, single submitter. Criteria: Invitae Variant Classification Sherloc (09022015). Collection method: clinical testing. Allele origin: germline.
Comment: This sequence change replaces lysine, which is basic and polar, with arginine, which is basic and polar, at codon 81 of the TNFAIP3 protein (p.Lys81Arg). This variant is present in population databases (rs757858271, gnomAD 0.0009%). This variant has not been reported in the literature in individuals affected with TNFAIP3-related conditions. Invitae Evidence Modeling of protein sequence and biophysical properties (such as structural, functional, and spatial information, amino acid conservation, physicochemical variation, residue mobility, and thermodynamic stability) indicates that this missense variant is not expected to disrupt TNFAIP3 protein function with a negative predictive value of 80%. In summary, the available evidence is currently insufficient to determine the role of this variant in disease. Therefore, it has been classified as a Variant of Uncertain Significance.